The following is an entry in ClinVar:

ClinVar aggregate classification (germline): Uncertain significance (1 of 4 stars; one submission).

Conditions:
Cardiovascular phenotype. Identifiers: MedGen CN230736.

Submission:

Ambry Genetics
Classification: Uncertain significance for Cardiovascular phenotype. Last evaluated: 2021-12-27. Review status: criteria provided, single submitter. Criteria: Ambry Variant Classification Scheme 2023. Collection method: clinical testing. Allele origin: germline.
Comment: The p.N1223I variant (also known as c.3668A>T), located in coding exon 11 of the AKAP9 gene, results from an A to T substitution at nucleotide position 3668. The asparagine at codon 1223 is replaced by isoleucine, an amino acid with dissimilar properties. This amino acid position is conserved. In addition, this alteration is predicted to be tolerated by in silico analysis. Since supporting evidence is limited at this time, the clinical significance of this alteration remains unclear.

NM_005751.5(AKAP9):c.3668A>T (p.Asn1223Ile)

Gene: AKAP9 (A-kinase anchoring protein 9; plus strand). Cytogenetic location: 7q21.2.
Variant type: single nucleotide variant.
Coding change: c.3668A>T on transcript NM_005751.5 (MANE Select); coding-DNA position 3668, A replaced by T.
Protein change: p.Asn1223Ile; replaces asparagine 1223 with isoleucine.
Molecular consequence: missense variant.
Genome position (GRCh38, 1-based): chr7:92,016,184, A>T. VCF-style: chr7-92016184-A-T. GRCh37 (hg19) VCF-style: chr7-91645498-A-T.
Other names: c.3668A>T, p.Asn1223Ile (NM_147185.3); short protein forms N1223I.
Identifiers: ClinVar variation 1733739 (VCV001733739.2), dbSNP rs2484731190, ClinGen allele CA368126952.